The following is an entry in ClinVar:

NM_000059.4(BRCA2):c.222G>A (p.Leu74=)

Gene: BRCA2 (BRCA2 DNA repair associated; plus strand). Cytogenetic location: 13q13.1.
Variant type: single nucleotide variant.
Coding change: c.222G>A on transcript NM_000059.4 (MANE Select); coding-DNA position 222, G replaced by A.
Protein change: p.Leu74=; no amino-acid change (leucine 74 retained).
Molecular consequence: synonymous variant.
Genome position (GRCh38, 1-based): chr13:32,319,231, G>A. VCF-style: chr13-32319231-G-A. GRCh37 (hg19) VCF-style: chr13-32893368-G-A.
Identifiers: ClinVar variation 384193 (VCV000384193.17), dbSNP rs863224303, ClinGen allele CA16606765.
Genomic context (GRCh38, chr13:32,319,231, plus strand): 5'-CAACAATTACGAACCAAACCTATTTAAAACTCCACAAAGGAAACCATCTTATAATCAGCT[G>A]GCTTCAACTCCAATAATATTCAAAGAGCAAGGGCTGACTCTGCCGCTGTACCAATCTCCT-3'
Protein context (NP_000050.3, residues 64-84): TPQRKPSYNQ[Leu74=]ASTPIIFKEQ

ClinVar aggregate classification (germline): Likely benign. Review status: reviewed by expert panel (3 of 4 stars). 6 submissions from 6 submitters: Likely benign (1). 5 of the submissions do not count toward it. Last evaluated 2017-06-29.

Conditions:
Hereditary cancer-predisposing syndrome. Also called: Neoplastic Syndromes, Hereditary; Hereditary neoplastic syndrome; Tumor predisposition; Hereditary Cancer Syndrome. Identifiers: Orphanet 140162, MedGen C0027672, MeSH D009386, MONDO:0015356.
Breast-ovarian cancer, familial, susceptibility to, 2 (BROVCA2). Also called: BRCA2 Hereditary Breast and Ovarian Cancer. Identifiers: Orphanet 145, MedGen C2675520, MONDO:0012933, OMIM 612555. Disease mechanism: loss of function.
Hereditary breast ovarian cancer syndrome. Also called: Hereditary breast and ovarian cancer; Breast and ovarian cancer; BRCA1- and BRCA2-Associated Hereditary Breast and Ovarian Cancer; Hereditary breast and ovarian cancer syndrome (HBOC); Hereditary breast and/or ovarian cancer syndrome; Hereditary breast and ovarian cancer syndrome. Identifiers: Orphanet 145, MedGen C0677776, MeSH D061325, MONDO:0003582. Disease mechanism: loss of function.

Allele frequency attached by ClinVar (database versions not stated): gnomAD exomes below 0.00001.
gnomAD v4.1: 2 of 1,613,606 alleles (0.00012%); no homozygotes.

Submissions (6):

Evidence-based Network for the Interpretation of Germline Mutant Alleles (ENIGMA)
Classification: Likely benign for Breast-ovarian cancer, familial, susceptibility to, 2. Last evaluated: 2017-06-29. Review status: reviewed by expert panel. Criteria: ENIGMA BRCA1/2 Classification Criteria (2017-06-29). Collection method: curation. Allele origin: germline.
Comment: Synonymous substitution variant, with low bioinformatic likelihood to result in a splicing aberration (Splicing prior probability 0.02).

Labcorp Genetics (formerly Invitae), Labcorp
Classification: Likely benign for Hereditary breast ovarian cancer syndrome. Last evaluated: 2025-08-25. Review status: criteria provided, single submitter. Criteria: Invitae Variant Classification Sherloc (09022015). Collection method: clinical testing. Allele origin: germline. Not counted in ClinVar's aggregate classification.

Ambry Genetics
Classification: Likely benign for Hereditary cancer-predisposing syndrome. Last evaluated: 2025-07-02. Review status: criteria provided, single submitter. Criteria: Ambry Variant Classification Scheme 2023. Collection method: clinical testing. Allele origin: germline. Not counted in ClinVar's aggregate classification.

Women's Health and Genetics/Laboratory Corporation of America, LabCorp
Classification: Likely benign. Last evaluated: 2024-12-06. Review status: criteria provided, single submitter. Criteria: LabCorp Variant Classification Summary - May 2015. Collection method: clinical testing. Allele origin: germline. Not counted in ClinVar's aggregate classification.

Color Diagnostics, LLC DBA Color Health
Classification: Likely benign for Hereditary cancer-predisposing syndrome. Last evaluated: 2021-01-05. Review status: criteria provided, single submitter. Criteria: ACMG Guidelines, 2015. Collection method: clinical testing. Allele origin: germline. Not counted in ClinVar's aggregate classification.

GeneDx
Classification: Likely benign. Last evaluated: 2016-02-24. Review status: criteria provided, single submitter. Criteria: GeneDx Variant Classification (06012015). Collection method: clinical testing. Allele origin: germline. Affected: yes. Not counted in ClinVar's aggregate classification.
Comment: This variant is considered likely benign or benign based on one or more of the following criteria: it is a conservative change, it occurs at a poorly conserved position in the protein, it is predicted to be benign by multiple in silico algorithms, and/or has population frequency not consistent with disease.

Literature cited by the submitters: PubMed 20927582 (cited by Women's Health and Genetics/Laboratory Corporation of America, LabCorp).